The following is an entry in ClinVar:

NM_000394.4(CRYAA):c.154C>T (p.Leu52Phe)

Gene: CRYAA (crystallin alpha A; plus strand). Cytogenetic location: 21q22.3.
Variant type: single nucleotide variant.
Coding change: c.154C>T on transcript NM_000394.4 (MANE Select); coding-DNA position 154, C replaced by T.
Protein change: p.Leu52Phe; replaces leucine 52 with phenylalanine.
Molecular consequence: missense variant.
Genome position (GRCh38, 1-based): chr21:43,169,253, C>T. VCF-style: chr21-43169253-C-T. GRCh37 (hg19) VCF-style: chr21-44589363-C-T.
Other names: short protein forms L52F.
Identifiers: ClinVar variation 340096 (VCV000340096.33), dbSNP rs146914780, ClinGen allele CA10653646.

ClinVar aggregate classification (germline): Conflicting classifications of pathogenicity. Review status: criteria provided, conflicting classifications (1 of 4 stars). 6 submissions from 6 submitters: Uncertain significance (2); Likely benign (3). 1 of the submissions does not count toward it. Last evaluated 2025-12-31.

Conditions:
CRYAA-related disorder. Also called: CRYAA-related condition.
Cataract 9 multiple types. Also called: Cataract 9, multiple types, with or without microcornea; Cataract, autosomal recessive congenital 1. Identifiers: Orphanet 1377, MedGen C1858679, MONDO:0011413, OMIM 604219.

Allele frequency attached by ClinVar (database versions not stated): 1000 Genomes Project 0.00080; 1000 Genomes Project 30x 0.00109; ExAC 0.00120; gnomAD exomes 0.00140; TOPMed 0.00176; ESP Exome Variant Server 0.00223; gnomAD 0.00234.

Submissions (6):

Labcorp Genetics (formerly Invitae), Labcorp
Classification: Likely benign for Cataract 9 multiple types. Last evaluated: 2025-12-31. Review status: criteria provided, single submitter. Criteria: Invitae Variant Classification Sherloc (09022015). Collection method: clinical testing. Allele origin: germline.

CeGaT Center for Human Genetics Tuebingen
Classification: Uncertain significance. Last evaluated: 2025-01-01. Review status: criteria provided, single submitter. Criteria: CeGaT Center For Human Genetics Tuebingen Variant Classification Criteria Version 2. Collection method: clinical testing. Allele origin: germline. Affected: yes. Observed: 1 variant allele.

Blueprint Genetics
Classification: Likely benign. Last evaluated: 2024-11-19. Review status: criteria provided, single submitter. Criteria: ACMG Guidelines, 2015. Collection method: clinical testing. Allele origin: germline.

GeneDx
Classification: Likely benign. Last evaluated: 2020-12-03. Review status: criteria provided, single submitter. Criteria: GeneDx Variant Classification Process June 2021. Collection method: clinical testing. Allele origin: germline. Affected: yes.

Illumina Laboratory Services, Illumina
Classification: Uncertain significance for Cataract 9 multiple types. Last evaluated: 2018-01-12. Review status: criteria provided, single submitter. Criteria: ICSL Variant Classification Criteria 13 December 2019. Collection method: clinical testing. Allele origin: germline.

PreventionGenetics, part of Exact Sciences
Classification: Likely benign for CRYAA-related condition. Last evaluated: 2021-04-12. Review status: no assertion criteria provided. Collection method: clinical testing. Allele origin: germline. Not counted in ClinVar's aggregate classification.
Comment: This variant is classified as likely benign based on ACMG/AMP sequence variant interpretation guidelines (Richards et al. 2015 PMID: 25741868, with internal and published modifications).